The following is an entry in ClinVar:

NM_001032386.2(SUOX):c.466A>T (p.Lys156Ter)

Gene: SUOX (sulfite oxidase; plus strand). Cytogenetic location: 12q13.2.
Variant type: single nucleotide variant.
Coding change: c.466A>T on transcript NM_001032386.2 (MANE Select); coding-DNA position 466, A replaced by T.
Protein change: p.Lys156Ter; replaces lysine 156 with a stop codon.
Molecular consequence: nonsense.
Genome position (GRCh38, 1-based): chr12:56,003,855, A>T. VCF-style: chr12-56003855-A-T. GRCh37 (hg19) VCF-style: chr12-56397639-A-T.
Other names: c.466A>T, p.Lys156Ter (NM_000456.3, NM_001032387.2); short protein forms K156*.
Identifiers: ClinVar variation 2745311 (VCV002745311.4), dbSNP rs1592829198, ClinGen allele CA385283869.

ClinVar aggregate classification (germline): Pathogenic (1 of 4 stars; one submission).

Conditions:
Sulfite oxidase deficiency. Also called: Isolated sulfite oxidase deficiency. Identifiers: Orphanet 833, Orphanet 99731, MedGen C0268624, MONDO:0010089, OMIM 272300, HP:0003643.

Allele frequency attached by ClinVar (database versions not stated): gnomAD exomes below 0.00001.

Submission:

Labcorp Genetics (formerly Invitae), Labcorp
Classification: Pathogenic for Sulfite oxidase deficiency. Last evaluated: 2023-07-19. Review status: criteria provided, single submitter. Criteria: Invitae Variant Classification Sherloc (09022015). Collection method: clinical testing. Allele origin: germline.
Comment: For these reasons, this variant has been classified as Pathogenic. This variant disrupts a region of the SUOX protein in which other variant(s) (p.Arg529*) have been determined to be pathogenic (PMID: 17940249, 28980090). This suggests that this is a clinically significant region of the protein, and that variants that disrupt it are likely to be disease-causing. This variant has not been reported in the literature in individuals affected with SUOX-related conditions. This variant is not present in population databases (gnomAD no frequency). This sequence change creates a premature translational stop signal (p.Lys156*) in the SUOX gene. While this is not anticipated to result in nonsense mediated decay, it is expected to disrupt the last 390 amino acid(s) of the SUOX protein.

Literature cited by the submitters: PubMed 17940249; PubMed 28980090.